The following is an entry in ClinVar:

ClinVar aggregate classification (germline): Likely benign. Review status: criteria provided, multiple submitters, no conflicts (2 of 4 stars). 2 submissions from 2 submitters: Likely benign (2). Last evaluated 2024-11-01.

Conditions:
Inborn genetic diseases. Identifiers: MedGen C0950123, MeSH D030342.

Allele frequency attached by ClinVar (database versions not stated): ExAC 0.00004; TOPMed 0.00005; gnomAD 0.00007; gnomAD exomes 0.00008.
gnomAD v4.1: 115 of 1,588,878 alleles (0.0072%); highest among the groups gnomAD compares: Non-Finnish European, 0.0096%; no homozygotes.

Submissions (2):

CeGaT Center for Human Genetics Tuebingen
Classification: Likely benign. Last evaluated: 2024-11-01. Review status: criteria provided, single submitter. Criteria: CeGaT Center For Human Genetics Tuebingen Variant Classification Criteria Version 2. Collection method: clinical testing. Allele origin: germline. Affected: yes. Observed: 1 variant allele.
Comment: SOX6: PP3, BS2

Ambry Genetics
Classification: Likely benign for Inborn genetic diseases. Last evaluated: 2023-03-01. Review status: criteria provided, single submitter. Criteria: Ambry Variant Classification Scheme 2023. Collection method: clinical testing. Allele origin: germline.

NM_001367873.1(SOX6):c.464A>C (p.Lys155Thr)

Gene: SOX6 (SRY-box transcription factor 6; minus strand). Cytogenetic location: 11p15.2.
Variant type: single nucleotide variant.
Coding change: c.464A>C on transcript NM_001367873.1 (MANE Select); coding-DNA position 464, A replaced by C.
Protein change: p.Lys155Thr; replaces lysine 155 with threonine.
Molecular consequence: missense variant.
Genome position (GRCh38, 1-based): chr11:16,234,653, T>G on the plus strand (A>C on the coding strand, the complement: SOX6 is on the minus strand). VCF-style: chr11-16234653-T-G. GRCh37 (hg19) VCF-style: chr11-16256199-T-G.
Other names: c.464A>C, p.Lys155Thr (NM_001145811.2, NM_001145819.2, NM_001367872.1 and 2 more transcripts); short protein forms K155T.
Identifiers: ClinVar variation 2457069 (VCV002457069.26), dbSNP rs770758639, ClinGen allele CA5898410.
Genomic context (GRCh38, chr11:16,234,653, plus strand): 5'-CCAAGAAGTTCACTGGTATTTAGTCTTTCCATTTTTTCCTTCCAATCTTTTGAAAGTAGT[T>G]TTTCCATGCAGGAGGAATCTATTAAAATACAAAAGTAAGTATTAAAAATATATATTTATT-3'
Protein context (NP_001354802.1, residues 145-165): TEQEDSSCME[Lys155Thr]LLSKDWKEKM